The following is an entry in ClinVar:

NM_006623.4(PHGDH):c.634T>G (p.Ser212Ala)

Gene: PHGDH (phosphoglycerate dehydrogenase; plus strand). Cytogenetic location: 1p12.
Variant type: single nucleotide variant.
Coding change: c.634T>G on transcript NM_006623.4 (MANE Select); coding-DNA position 634, T replaced by G.
Protein change: p.Ser212Ala; replaces serine 212 with alanine.
Molecular consequence: missense variant.
Genome position (GRCh38, 1-based): chr1:119,734,757, T>G. VCF-style: chr1-119734757-T-G. GRCh37 (hg19) VCF-style: chr1-120277380-T-G.
Other names: short protein forms S212A.
Identifiers: ClinVar variation 1498209 (VCV001498209.6), dbSNP rs374083753, ClinGen allele CA30259832.

ClinVar aggregate classification (germline): Uncertain significance (1 of 4 stars; one submission).

Conditions:
PHGDH deficiency. Identifiers: Orphanet 79351, MedGen C1866174, MONDO:0011152, OMIM 601815.

Allele frequency attached by ClinVar (database versions not stated): gnomAD exomes below 0.00001 and 0.00001; gnomAD 0.00001; TOPMed 0.00001; ESP Exome Variant Server 0.00008.
gnomAD v4.1: 4 of 1,614,018 alleles (0.00025%); highest among the groups gnomAD compares: African/African-American, 0.0013%; no homozygotes.

Submission:

Labcorp Genetics (formerly Invitae), Labcorp
Classification: Uncertain significance for PHGDH deficiency. Last evaluated: 2024-10-30. Review status: criteria provided, single submitter. Criteria: Invitae Variant Classification Sherloc (09022015). Collection method: clinical testing. Allele origin: germline.
Comment: This sequence change replaces serine, which is neutral and polar, with alanine, which is neutral and non-polar, at codon 212 of the PHGDH protein (p.Ser212Ala). This variant is present in population databases (rs374083753, gnomAD 0.0009%). This variant has not been reported in the literature in individuals affected with PHGDH-related conditions. ClinVar contains an entry for this variant (Variation ID: 1498209). Invitae Evidence Modeling of protein sequence and biophysical properties (such as structural, functional, and spatial information, amino acid conservation, physicochemical variation, residue mobility, and thermodynamic stability) has been performed for this missense variant. However, the output from this modeling did not meet the statistical confidence thresholds required to predict the impact of this variant on PHGDH protein function. In summary, the available evidence is currently insufficient to determine the role of this variant in disease. Therefore, it has been classified as a Variant of Uncertain Significance.